The following is an entry in ClinVar:

NM_153676.4(USH1C):c.464G>C (p.Arg155Pro)

Gene: USH1C (USH1 protein network component harmonin; minus strand). Cytogenetic location: 11p15.1.
Variant type: single nucleotide variant.
Coding change: c.464G>C on transcript NM_153676.4 (MANE Select); coding-DNA position 464, G replaced by C.
Protein change: p.Arg155Pro; replaces arginine 155 with proline.
Molecular consequence: missense variant. On other transcripts: non-coding transcript variant (1).
Genome position (GRCh38, 1-based): chr11:17,527,255, C>G on the plus strand (G>C on the coding strand, the complement: USH1C is on the minus strand). VCF-style: chr11-17527255-C-G. GRCh37 (hg19) VCF-style: chr11-17548802-C-G.
Other names: c.464G>C, p.Arg155Pro (NM_001297764.2, NM_005709.4); short protein forms R155P.
Identifiers: ClinVar variation 303814 (VCV000303814.9), dbSNP rs142730611, ClinGen allele CA5905039.
Genomic context (GRCh38, chr11:17,527,255, plus strand): 5'-AGTACTGCCCTGCTCTGGCCTCACTCACGTCTCACTTTGATGGACACAGTTTTCTTGGTT[C>G]GAATGAGGTTGATGACCTCCTCATGGGTACAGGAGGAGATGGAATATCCATTGATCCGGA-3'
Protein context (NP_710142.1, residues 145-165): CTHEEVINLI[Arg155Pro]TKKTVSIKVR

ClinVar aggregate classification (germline): Uncertain significance. Review status: criteria provided, multiple submitters, no conflicts (2 of 4 stars). 3 submissions from 3 submitters: Uncertain significance (3). Last evaluated 2024-09-06.

Conditions:
Usher syndrome type 1C. Also called: USHER SYNDROME, TYPE I, ACADIAN VARIETY. Identifiers: Orphanet 231169, Orphanet 886, MedGen C1848604, MONDO:0010171, OMIM 276904.

Allele frequency attached by ClinVar (database versions not stated): ExAC 0.00004; gnomAD 0.00004 and 0.00005; TOPMed 0.00004; 1000 Genomes Project 30x 0.00047; 1000 Genomes Project 0.00060.
gnomAD v4.1: 284 of 1,608,568 alleles (0.018%); highest among the groups gnomAD compares: East Asian, 0.63%; 4 homozygotes.

Submissions (3):

Labcorp Genetics (formerly Invitae), Labcorp
Classification: Uncertain significance. Last evaluated: 2024-09-06. Review status: criteria provided, single submitter. Criteria: Invitae Variant Classification Sherloc (09022015). Collection method: clinical testing. Allele origin: germline.
Comment: This sequence change replaces arginine, which is basic and polar, with proline, which is neutral and non-polar, at codon 155 of the USH1C protein (p.Arg155Pro). This variant is present in population databases (rs142730611, gnomAD 0.03%). This variant has not been reported in the literature in individuals affected with USH1C-related conditions. ClinVar contains an entry for this variant (Variation ID: 303814). An algorithm developed to predict the effect of missense changes on protein structure and function (PolyPhen-2) suggests that this variant is likely to be disruptive. In summary, the available evidence is currently insufficient to determine the role of this variant in disease. Therefore, it has been classified as a Variant of Uncertain Significance.

ARUP Laboratories, Molecular Genetics and Genomics, ARUP Laboratories
Classification: Uncertain significance. Last evaluated: 2022-02-28. Review status: criteria provided, single submitter. Criteria: ARUP Molecular Germline Variant Investigation Process 2021. Collection method: clinical testing. Allele origin: germline.
Comment: The USH1C c.464G>C; p.Arg155Pro variant (rs142730611), to our knowledge, is not reported in the medical literature but is reported in ClinVar (Variation ID: 303814). This variant is found in the general population with an overall allele frequency of 0.004% (12/282446 alleles) in the Genome Aggregation Database. The arginine at codon 155 is moderately conserved, and computational analyses are uncertain whether this variant is neutral or deleterious (REVEL: 0.263). However, given the lack of clinical and functional data, the significance of the p.Arg155Pro variant is uncertain at this time.

Illumina Laboratory Services, Illumina
Classification: Uncertain significance for Usher syndrome type 1C. Last evaluated: 2018-01-13. Review status: criteria provided, single submitter. Criteria: ICSL Variant Classification Criteria 13 December 2019. Collection method: clinical testing. Allele origin: germline.